The following is an entry in ClinVar:

ClinVar aggregate classification (germline): Uncertain significance (1 of 4 stars; one submission).

Conditions:
Developmental and epileptic encephalopathy, 34 (DEE34). Also called: SLC12A5-Related Epilepsy of Infancy with Migrating Focal Seizures; Early infantile epileptic encephalopathy 34. Identifiers: Orphanet 293181, MedGen C4225257, MONDO:0014718, OMIM 616645.

Submission:

Labcorp Genetics (formerly Invitae), Labcorp
Classification: Uncertain significance for Developmental and epileptic encephalopathy, 34. Last evaluated: 2020-03-19. Review status: criteria provided, single submitter. Criteria: Invitae Variant Classification Sherloc (09022015). Collection method: clinical testing. Allele origin: germline.
Comment: Algorithms developed to predict the effect of missense changes on protein structure and function (SIFT, PolyPhen-2, Align-GVGD) all suggest that this variant is likely to be tolerated, but these predictions have not been confirmed by published functional studies and their clinical significance is uncertain. This sequence change replaces glutamine with histidine at codon 918 of the SLC12A5 protein (p.Gln918His). The glutamine residue is moderately conserved and there is a small physicochemical difference between glutamine and histidine. This variant is not present in population databases (ExAC no frequency). This variant has not been reported in the literature in individuals with SLC12A5-related conditions. In summary, the available evidence is currently insufficient to determine the role of this variant in disease. Therefore, it has been classified as a Variant of Uncertain Significance.

NM_020708.5(SLC12A5):c.2754G>C (p.Gln918His)

Gene: SLC12A5 (solute carrier family 12 member 5; plus strand). Cytogenetic location: 20q13.12.
Variant type: single nucleotide variant.
Coding change: c.2754G>C on transcript NM_020708.5 (MANE Select); coding-DNA position 2754, G replaced by C.
Protein change: p.Gln918His; replaces glutamine 918 with histidine.
Molecular consequence: missense variant.
Genome position (GRCh38, 1-based): chr20:46,054,990, G>C. VCF-style: chr20-46054990-G-C. GRCh37 (hg19) VCF-style: chr20-44683629-G-C.
Other names: c.2823G>C, p.Gln941His (NM_001134771.2); short protein forms Q918H, Q941H.
Identifiers: ClinVar variation 1034889 (VCV001034889.9), dbSNP rs1417761332, ClinGen allele CA409207192.